The following is an entry in ClinVar:

ClinVar aggregate classification (germline): Benign/Likely benign. Review status: criteria provided, multiple submitters, no conflicts (2 of 4 stars). 8 submissions from 8 submitters: Benign (4); Likely benign (4). Last evaluated 2026-09-01.

Conditions:
Hereditary pancreatitis (PCTT). Also called: PRSS1-Related Hereditary Pancreatitis; Hereditary chronic pancreatitis. Identifiers: Orphanet 676, MedGen C0238339, MONDO:0008185, OMIM 167800.
Cystic fibrosis (CF). Also called: MUCOVISCIDOSIS. Identifiers: Orphanet 586, MedGen C0010674, MONDO:0009061, OMIM 219700. Disease mechanism: loss of function.
CFTR-related disorder (CFTR-RD). Also called: CFTR-related disorders; CFTR-related condition. Identifiers: MedGen C5924204, MONDO:7770004.

Allele frequency attached by ClinVar (database versions not stated): TOPMed 0.01385; gnomAD 0.01397 and 0.01452; 1000 Genomes Project 0.01478; 1000 Genomes Project 30x 0.01577.

Submissions (8):

CeGaT Center for Human Genetics Tuebingen
Classification: Benign. Last evaluated: 2026-09-01. Review status: criteria provided, single submitter. Criteria: CeGaT Center For Human Genetics Tuebingen Variant Classification Criteria Version 2. Collection method: clinical testing. Allele origin: germline. Affected: yes. Observed: 28 variant alleles.
Comment: CFTR: BS1, BS2

PreventionGenetics, part of Exact Sciences
Classification: Likely benign for CFTR-related condition. Last evaluated: 2026-07-25. Review status: criteria provided, single submitter. Criteria: ACMG Guidelines, 2015. Collection method: clinical testing. Allele origin: germline.
Comment: This variant is classified as likely benign based on ACMG/AMP sequence variant interpretation guidelines (Richards et al. 2015 PMID: 25741868, with internal and published modifications).

Labcorp Genetics (formerly Invitae), Labcorp
Classification: Benign for Cystic fibrosis. Last evaluated: 2025-03-17. Review status: criteria provided, single submitter. Criteria: Invitae Variant Classification Sherloc (09022015). Collection method: clinical testing. Allele origin: germline.

Quest Diagnostics Nichols Institute San Juan Capistrano
Classification: Likely benign. Last evaluated: 2023-07-25. Review status: criteria provided, single submitter. Criteria: Quest Diagnostics criteria. Collection method: clinical testing. Allele origin: unknown.

Sema4
Classification: Benign for Hereditary pancreatitis. Last evaluated: 2020-09-16. Review status: criteria provided, single submitter. Criteria: Sema4 Curation Guidelines. Collection method: curation. Allele origin: germline.

Mendelics
Classification: Likely benign for Cystic fibrosis. Last evaluated: 2019-05-28. Review status: criteria provided, single submitter. Criteria: Mendelics Assertion Criteria 2017. Collection method: clinical testing. Allele origin: unknown.

Illumina Laboratory Services, Illumina
Classification: Likely benign for CFTR-Related Disorders. Last evaluated: 2017-04-27. Review status: criteria provided, single submitter. Criteria: ICSL Variant Classification Criteria 13 December 2019. Collection method: clinical testing. Allele origin: germline.
Comment: This variant was observed as part of a predisposition screen in an ostensibly healthy population. A literature search was performed for the gene, cDNA change, and amino acid change (where applicable). Publications were found based on this search. The evidence from the literature, in combination with allele frequency data from public databases where available, was sufficient to determine this variant is unlikely to cause disease. Therefore, this variant is classified as likely benign.

Eurofins Ntd Llc (ga)
Classification: Benign. Last evaluated: 2017-03-28. Review status: criteria provided, single submitter. Criteria: EGL Classification Definitions 2015. Collection method: clinical testing. Allele origin: germline. Observed: 1 variant allele, 1 heterozygote.

Literature cited by the submitters: PubMed 33348555 (cited by Quest Diagnostics Nichols Institute San Juan Capistrano); PubMed 23555973 (cited by Quest Diagnostics Nichols Institute San Juan Capistrano and Illumina Laboratory Services, Illumina); PubMed 26436105 (cited by Quest Diagnostics Nichols Institute San Juan Capistrano).

NM_000492.4(CFTR):c.*1043A>C

Gene: CFTR (CF transmembrane conductance regulator; plus strand). Cytogenetic location: 7q31.2.
Variant type: single nucleotide variant.
Coding change: c.*1043A>C on transcript NM_000492.4 (MANE Select); 1043 bases downstream of the stop codon, A replaced by C.
Molecular consequence: 3 prime UTR variant.
Genome position (GRCh38, 1-based): chr7:117,668,151, A>C. VCF-style: chr7-117668151-A-C. GRCh37 (hg19) VCF-style: chr7-117308205-A-C.
Identifiers: ClinVar variation 358746 (VCV000358746.52), dbSNP rs10234329, ClinGen allele CA10628077.